The following is an entry in ClinVar:

ClinVar aggregate classification (germline): Uncertain significance (1 of 4 stars; one submission).

Conditions:
Hypertrophic cardiomyopathy. Also called: HYPERTROPHIC MYOCARDIOPATHY. Identifiers: Orphanet 217569, MedGen C0007194, MeSH D002312, MONDO:0005045, HP:0001639.

Submission:

Labcorp Genetics (formerly Invitae), Labcorp
Classification: Uncertain significance for Hypertrophic cardiomyopathy. Last evaluated: 2024-05-10. Review status: criteria provided, single submitter. Criteria: Invitae Variant Classification Sherloc (09022015). Collection method: clinical testing. Allele origin: germline.
Comment: This sequence change replaces threonine, which is neutral and polar, with alanine, which is neutral and non-polar, at codon 446 of the MYH7 protein (p.Thr446Ala). This variant is not present in population databases (gnomAD no frequency). This variant has not been reported in the literature in individuals affected with MYH7-related conditions. Advanced modeling of protein sequence and biophysical properties (such as structural, functional, and spatial information, amino acid conservation, physicochemical variation, residue mobility, and thermodynamic stability) has been performed at Invitae for this missense variant, however the output from this modeling did not meet the statistical confidence thresholds required to predict the impact of this variant on MYH7 protein function. In summary, the available evidence is currently insufficient to determine the role of this variant in disease. Therefore, it has been classified as a Variant of Uncertain Significance.

NM_000257.4(MYH7):c.1336A>G (p.Thr446Ala)

Gene: MYH7 (myosin heavy chain 7; minus strand). Cytogenetic location: 14q11.2.
Variant type: single nucleotide variant.
Coding change: c.1336A>G on transcript NM_000257.4 (MANE Select); coding-DNA position 1336, A replaced by G.
Protein change: p.Thr446Ala; replaces threonine 446 with alanine.
Molecular consequence: missense variant.
Genome position (GRCh38, 1-based): chr14:23,429,026, T>C on the plus strand (A>G on the coding strand, the complement: MYH7 is on the minus strand). VCF-style: chr14-23429026-T-C. GRCh37 (hg19) VCF-style: chr14-23898235-T-C.
Other names: c.1336A>G, p.Thr446Ala (NM_001407004.1); short protein forms T446A.
Identifiers: ClinVar variation 3636047 (VCV003636047.2).